The following is an entry in ClinVar:

ClinVar aggregate classification (germline): Conflicting classifications of pathogenicity. Review status: criteria provided, conflicting classifications (1 of 4 stars). 6 submissions from 6 submitters: Uncertain significance (5); Likely benign (1). Last evaluated 2025-11-05.

Conditions:
ATM-related cancer predisposition. Also called: ATM-related cancer susceptibility. Identifiers: MedGen CN377759, MONDO:0700270.
Hereditary cancer-predisposing syndrome. Also called: Neoplastic Syndromes, Hereditary; Hereditary neoplastic syndrome; Tumor predisposition; Hereditary Cancer Syndrome. Identifiers: Orphanet 140162, MedGen C0027672, MeSH D009386, MONDO:0015356.
Familial cancer of breast. Also called: hereditary breast carcinoma; Hereditary breast cancer; BREAST CANCER, FAMILIAL. Identifiers: Orphanet 227535, MedGen C0346153, MONDO:0016419, OMIM 114480. Disease mechanism: loss of function.
Ataxia-telangiectasia syndrome (AT). Also called: Ataxia telangiectasia (A-T); Cerebello-oculocutaneous telangiectasia; Immunodeficiency with ataxia telangiectasia; LOUIS-BAR SYNDROME; AT, COMPLEMENTATION GROUP C; ATAXIA-TELANGIECTASIA, FRESNO VARIANT. Identifiers: Orphanet 100, MedGen C0004135, MONDO:0008840, OMIM 208900.

Allele frequency attached by ClinVar (database versions not stated): TOPMed 0.00001; gnomAD exomes below 0.00001; ExAC 0.00001; gnomAD 0.00001; ESP Exome Variant Server 0.00008.
gnomAD v4.1: 3 of 1,612,496 alleles (0.00019%); highest among the groups gnomAD compares: Non-Finnish European, 0.00025%; no homozygotes.

Submissions (6):

Labcorp Genetics (formerly Invitae), Labcorp
Classification: Uncertain significance for Ataxia-telangiectasia syndrome. Last evaluated: 2025-11-05. Review status: criteria provided, single submitter. Criteria: Invitae Variant Classification Sherloc (09022015). Collection method: clinical testing. Allele origin: germline.
Comment: This sequence change replaces aspartic acid, which is acidic and polar, with glutamic acid, which is acidic and polar, at codon 2085 of the ATM protein (p.Asp2085Glu). This variant is present in population databases (rs376898203, gnomAD 0.0009%). This variant has not been reported in the literature in individuals affected with ATM-related conditions. ClinVar contains an entry for this variant (Variation ID: 232365). Invitae Evidence Modeling of protein sequence and biophysical properties (such as structural, functional, and spatial information, amino acid conservation, physicochemical variation, residue mobility, and thermodynamic stability) indicates that this missense variant is not expected to disrupt ATM protein function with a negative predictive value of 95%. In summary, the available evidence is currently insufficient to determine the role of this variant in disease. Therefore, it has been classified as a Variant of Uncertain Significance.

Dasa
Classification: Uncertain significance for ATM-related cancer predisposition. Last evaluated: 2025-03-17. Review status: criteria provided, single submitter. Criteria: DASA Assertion Criteria. Collection method: clinical testing. Allele origin: germline.
Comment: NM_000051.4(ATM):c.6255T>A (p.Asp2085Glu) is a missense variant that results in the substitution of aspartic acid with glutamic acid. This variant is rare in population databases. Computational prediction algorithms are consistent with a benign effect. The currently available literature and clinical evidence are not sufficient to establish a definitive association between this variant and the reported condition. Therefore, this variant is classified as a variant of uncertain significance.

Ambry Genetics
Classification: Likely benign for Hereditary cancer-predisposing syndrome. Last evaluated: 2025-02-12. Review status: criteria provided, single submitter. Criteria: Ambry Variant Classification Scheme 2023. Collection method: clinical testing. Allele origin: germline.

GeneDx
Classification: Uncertain significance. Last evaluated: 2024-07-22. Review status: criteria provided, single submitter. Criteria: GeneDx Variant Classification Process June 2021. Collection method: clinical testing. Allele origin: germline. Affected: yes.
Comment: Not observed at significant frequency in large population cohorts (gnomAD); In silico analysis indicates that this missense variant does not alter protein structure/function; Has not been previously published as pathogenic or benign to our knowledge

Color Diagnostics, LLC DBA Color Health
Classification: Uncertain significance for Hereditary cancer-predisposing syndrome. Last evaluated: 2024-06-03. Review status: criteria provided, single submitter. Criteria: ACMG Guidelines, 2015. Collection method: clinical testing. Allele origin: germline.
Comment: This missense variant replaces aspartic acid with glutamic acid at codon 2085 of the ATM protein. Computational prediction suggests that this variant may not impact protein structure and function (internally defined REVEL score threshold <= 0.5, PMID: 27666373). To our knowledge, functional studies have not been reported for this variant. This variant has not been reported in individuals affected with ATM-related disorders in the literature. This variant has been identified in 1/251410 chromosomes in the general population by the Genome Aggregation Database (gnomAD). The available evidence is insufficient to determine the role of this variant in disease conclusively. Therefore, this variant is classified as a Variant of Uncertain Significance.

Baylor Genetics
Classification: Uncertain significance for Familial cancer of breast. Last evaluated: 2023-12-27. Review status: criteria provided, single submitter. Criteria: ACMG Guidelines, 2015. Collection method: clinical testing. Allele origin: unknown.

NM_000051.4(ATM):c.6255T>A (p.Asp2085Glu)

Genes: ATM (ATM serine/threonine kinase; plus strand), C11orf65 (chromosome 11 open reading frame 65; minus strand). Cytogenetic location: 11q22.3.
Variant type: single nucleotide variant.
Coding change: c.6255T>A on transcript NM_000051.4 (MANE Select); coding-DNA position 6255, T replaced by A.
Protein change: p.Asp2085Glu; replaces aspartic acid 2085 with glutamic acid.
Molecular consequence: missense variant. On other transcripts: intron variant (2).
Genome position (GRCh38, 1-based): chr11:108,317,429, T>A. VCF-style: chr11-108317429-T-A. GRCh37 (hg19) VCF-style: chr11-108188156-T-A.
Other names: c.6255T>A, p.Asp2085Glu (NM_001351834.2); c.641-8358A>T (NM_001330368.2); c.*39-8358A>T (NM_001351110.2); short protein forms D2085E.
Identifiers: ClinVar variation 232365 (VCV000232365.56), dbSNP rs376898203, ClinGen allele CA6265900.